The following is an entry in ClinVar:

ClinVar aggregate classification (germline): Uncertain significance (1 of 4 stars; one submission).

Conditions:
Developmental and epileptic encephalopathy, 34 (DEE34). Also called: Early infantile epileptic encephalopathy 34; SLC12A5-Related Epilepsy of Infancy with Migrating Focal Seizures. Identifiers: Orphanet 293181, MedGen C4225257, MONDO:0014718, OMIM 616645.

Submission:

Labcorp Genetics (formerly Invitae), Labcorp
Classification: Uncertain significance for Developmental and epileptic encephalopathy, 34. Last evaluated: 2021-11-01. Review status: criteria provided, single submitter. Criteria: Invitae Variant Classification Sherloc (09022015). Collection method: clinical testing. Allele origin: germline.
Comment: This sequence change replaces serine, which is neutral and polar, with phenylalanine, which is neutral and non-polar, at codon 696 of the SLC12A5 protein (p.Ser696Phe). This variant is not present in population databases (gnomAD no frequency). In summary, the available evidence is currently insufficient to determine the role of this variant in disease. Therefore, it has been classified as a Variant of Uncertain Significance. Advanced modeling of protein sequence and biophysical properties (such as structural, functional, and spatial information, amino acid conservation, physicochemical variation, residue mobility, and thermodynamic stability) performed at Invitae indicates that this missense variant is expected to disrupt SLC12A5 protein function. This variant has not been reported in the literature in individuals affected with SLC12A5-related conditions.

NM_020708.5(SLC12A5):c.2087C>T (p.Ser696Phe)

Gene: SLC12A5 (solute carrier family 12 member 5; plus strand). Cytogenetic location: 20q13.12.
Variant type: single nucleotide variant.
Coding change: c.2087C>T on transcript NM_020708.5 (MANE Select); coding-DNA position 2087, C replaced by T.
Protein change: p.Ser696Phe; replaces serine 696 with phenylalanine.
Molecular consequence: missense variant.
Genome position (GRCh38, 1-based): chr20:46,049,696, C>T. VCF-style: chr20-46049696-C-T. GRCh37 (hg19) VCF-style: chr20-44678335-C-T.
Other names: c.2156C>T, p.Ser719Phe (NM_001134771.2); short protein forms S696F, S719F.
Identifiers: ClinVar variation 1390520 (VCV001390520.6), dbSNP rs2145499586, ClinGen allele CA409202226.